The following is an entry in ClinVar:

ClinVar aggregate classification (germline): Pathogenic/Likely pathogenic. Review status: criteria provided, multiple submitters, no conflicts (2 of 4 stars). 3 submissions from 3 submitters: Pathogenic (1); Likely pathogenic (2). Last evaluated 2025-12-22.

Conditions:
Tooth agenesis, selective, 4 (STHAG4). Also called: SUCCEDANEOUS TEETH, AGENESIS OF; LATERAL INCISORS, ABSENCE OF; LATERAL INCISORS, PEGGED OR MISSING; TOOTH AGENESIS, SELECTIVE, 4, WITH OR WITHOUT ECTODERMAL DYSPLASIA. Identifiers: Orphanet 99798, MedGen C1835492, MONDO:0007881, OMIM 150400. Disease mechanism: loss of function.
Odonto-onycho-dermal dysplasia. Identifiers: Orphanet 2721, MedGen C0796093, MONDO:0009773, OMIM 257980.
Schöpf-Schulz-Passarge syndrome. Also called: SchC6pf-Schulz-Passarge syndrome; ECCRINE TUMORS WITH ECTODERMAL DYSPLASIA; KERATOSIS PALMOPLANTARIS WITH CYSTIC EYELIDS, HYPODONTIA, AND HYPOTRICHOSIS. Identifiers: Orphanet 50944, MedGen C1857069, MONDO:0009145, OMIM 224750.

Submissions (3):

Institute of Human Genetics, University of Leipzig Medical Center
Classification: Pathogenic for Tooth agenesis, selective, 4. Last evaluated: 2025-12-22. Review status: criteria provided, single submitter. Criteria: ACMG Guidelines, 2015. Collection method: clinical testing. Allele origin: paternal. Inheritance: Autosomal recessive inheritance. Affected: yes.
Comment: Criteria applied: PS1,PVS1_MOD,PM2,PM3

Natera, Inc.
Classification: Likely pathogenic for Schopf-Schulz-Passarge syndrome. Last evaluated: 2025-10-03. Review status: criteria provided, single submitter. Criteria: Natera Variant Classification Schema (03/2026). Collection method: clinical testing. Allele origin: germline.
Comment: The c.3G>A variant in WNT10A is predicted to result in start loss due to disruption of the initiator methionine. This variant is expected to result in nonsense mediated decay, truncation, or a dysfunctional protein product. This variant is rare in the general population with a frequency below the threshold expected for the associated phenotype(s). Given the available evidence, this variant is classified as Likely Pathogenic.

Labcorp Genetics (formerly Invitae), Labcorp
Classification: Likely pathogenic for Tooth agenesis, selective, 4; Odonto-onycho-dermal dysplasia. Last evaluated: 2022-05-16. Review status: criteria provided, single submitter. Criteria: Invitae Variant Classification Sherloc (09022015). Collection method: clinical testing. Allele origin: germline.
Comment: This variant is not present in population databases (gnomAD no frequency). In summary, the currently available evidence indicates that the variant is pathogenic, but additional data are needed to prove that conclusively. Therefore, this variant has been classified as Likely Pathogenic. This variant disrupts a region of the WNT10A protein in which other variant(s) (p.Leu29Arg) have been observed in individuals with WNT10A-related conditions (PMID: 30974434). This suggests that this is a clinically significant region of the protein, and that variants that disrupt it are likely to be disease-causing. Disruption of the initiator codon has been observed in individual(s) with WNT10A-related conditions (PMID: 23401279). In at least one individual the data is consistent with being in trans (on the opposite chromosome) from a pathogenic variant. This sequence change affects the initiator methionine of the WNT10A mRNA. The next in-frame methionine is located at codon 36.

Literature cited by the submitters: PubMed 30974434 (cited by Labcorp Genetics (formerly Invitae), Labcorp); PubMed 23401279 (cited by Labcorp Genetics (formerly Invitae), Labcorp).

NM_025216.3(WNT10A):c.3G>A (p.Met1Ile)

Gene: WNT10A (Wnt family member 10A; plus strand). Cytogenetic location: 2q35.
Variant type: single nucleotide variant.
Coding change: c.3G>A on transcript NM_025216.3 (MANE Select); coding-DNA position 3, G replaced by A.
Protein change: p.Met1Ile; changes the start codon (methionine 1).
Molecular consequence: missense variant, initiator codon variant.
Genome position (GRCh38, 1-based): chr2:218,880,998, G>A. VCF-style: chr2-218880998-G-A. GRCh37 (hg19) VCF-style: chr2-219745720-G-A.
Other names: c.3G>A (NM_025216.2); short protein forms M1I.
Identifiers: ClinVar variation 1904869 (VCV001904869.8), dbSNP rs111314129, ClinGen allele CA65849035.